The following is an entry in ClinVar:

ClinVar aggregate classification (germline): Likely pathogenic (1 of 4 stars; one submission).

Conditions:
Autosomal recessive polycystic kidney disease (ARPKD). Also called: AR polycystic kidney disease. Identifiers: Orphanet 731, Orphanet 8378, MedGen C0085548, MeSH D017044, MONDO:0009889.

Submission:

Natera, Inc.
Classification: Likely pathogenic for Autosomal recessive polycystic kidney disease. Last evaluated: 2025-11-19. Review status: criteria provided, single submitter. Criteria: Natera Variant Classification Schema (03/2026). Collection method: clinical testing. Allele origin: germline.
Comment: The c.1698_1699delinsTT variant in PKHD1 is a deletion-insertion (delins) variant predicted to replace one or more nucleotides with a different sequence. This variant is expected to result in nonsense mediated decay, truncation, or a dysfunctional protein product. This variant is rare in the general population with a frequency below the threshold expected for the associated phenotype(s). Given the available evidence, this variant is classified as Likely Pathogenic.

NM_138694.4(PKHD1):c.1698_1699delinsTT (p.Glu567Ter)

Gene: PKHD1 (PKHD1 ciliary IPT domain containing fibrocystin/polyductin; minus strand). Cytogenetic location: 6p12.2.
Variant type: Indel.
Coding change: c.1698_1699delinsTT on transcript NM_138694.4 (MANE Select); coding-DNA positions 1698 to 1699, AG replaced by TT.
Protein change: p.Glu567Ter; replaces glutamic acid 567 with a stop codon.
Molecular consequence: nonsense.
Genome position (GRCh38, 1-based): chr6:52,055,724-52,055,725, CT replaced by AA on the plus strand (AG replaced by TT on the coding strand, the reverse complement: PKHD1 is on the minus strand). VCF-style: chr6-52055724-CT-AA. GRCh37 (hg19) VCF-style: chr6-51920522-CT-AA.
Other names: c.1698_1699delinsTT, p.Glu567Ter (NM_170724.3); short protein forms E567*.
Identifiers: ClinVar variation 4816587 (VCV004816587.1).